The following is an entry in ClinVar:

ClinVar aggregate classification (germline): Uncertain significance. Review status: criteria provided, multiple submitters, no conflicts (2 of 4 stars). 2 submissions from 2 submitters: Uncertain significance (2). Last evaluated 2022-08-15.

Conditions:
Inborn genetic diseases. Identifiers: MedGen C0950123, MeSH D030342.
Short-rib thoracic dysplasia 10 with or without polydactyly (SRTD10). Identifiers: Orphanet 474, MedGen C3810175, MONDO:0014284, OMIM 615630.
Retinitis pigmentosa 71 (RP71). Identifiers: Orphanet 791, MedGen C4225342, MONDO:0014618, OMIM 616394.

Submissions (2):

Labcorp Genetics (formerly Invitae), Labcorp
Classification: Uncertain significance for Retinitis pigmentosa 71; Short-rib thoracic dysplasia 10 with or without polydactyly. Last evaluated: 2022-08-15. Review status: criteria provided, single submitter. Criteria: Invitae Variant Classification Sherloc (09022015). Collection method: clinical testing. Allele origin: germline.
Comment: In summary, the available evidence is currently insufficient to determine the role of this variant in disease. Therefore, it has been classified as a Variant of Uncertain Significance. Algorithms developed to predict the effect of sequence changes on RNA splicing suggest that this variant may create or strengthen a splice site. Algorithms developed to predict the effect of missense changes on protein structure and function are either unavailable or do not agree on the potential impact of this missense change (SIFT: "Deleterious"; PolyPhen-2: "Probably Damaging"; Align-GVGD: "Class C0"). ClinVar contains an entry for this variant (Variation ID: 1364862). This variant has not been reported in the literature in individuals affected with IFT172-related conditions. This variant is not present in population databases (gnomAD no frequency). This sequence change replaces glycine, which is neutral and non-polar, with glutamic acid, which is acidic and polar, at codon 309 of the IFT172 protein (p.Gly309Glu).

Ambry Genetics
Classification: Uncertain significance for Inborn genetic diseases. Last evaluated: 2022-02-02. Review status: criteria provided, single submitter. Criteria: Ambry Variant Classification Scheme 2023. Collection method: clinical testing. Allele origin: germline.

NM_015662.3(IFT172):c.926G>A (p.Gly309Glu)

Gene: IFT172 (intraflagellar transport 172; minus strand). Cytogenetic location: 2p23.3.
Variant type: single nucleotide variant.
Coding change: c.926G>A on transcript NM_015662.3 (MANE Select); coding-DNA position 926, G replaced by A.
Protein change: p.Gly309Glu; replaces glycine 309 with glutamic acid.
Molecular consequence: missense variant.
Genome position (GRCh38, 1-based): chr2:27,479,588, C>T on the plus strand (G>A on the coding strand, the complement: IFT172 is on the minus strand). VCF-style: chr2-27479588-C-T. GRCh37 (hg19) VCF-style: chr2-27702455-C-T.
Other names: c.926G>A (NM_015662.1); short protein forms G309E.
Identifiers: ClinVar variation 1364862 (VCV001364862.7), dbSNP rs749612277, ClinGen allele CA346396574.